The following is an entry in ClinVar:

NM_002223.4(ITPR2):c.2590-8_2590-7dup

Gene: ITPR2 (inositol 1,4,5-trisphosphate receptor type 2; minus strand). Cytogenetic location: 12p11.23.
Variant type: Duplication.
Coding change: c.2590-8_2590-7dup on transcript NM_002223.4 (MANE Select); 8 bases into the intron before coding-DNA position 2590 through 7 bases into the intron before coding-DNA position 2590, 2 bases duplicated (TT; older notation c.2590-8_2590-7dupTT).
Molecular consequence: intron variant.
Genome position (GRCh38, 1-based): chr12:26,654,133-26,654,134, AA duplicated on the plus strand (TT on the coding strand, the reverse complement: ITPR2 is on the minus strand); duplicating any 2 consecutive bases within chr12:26,654,133-26,654,144 gives the same sequence; the c. name uses the placement nearest the transcript's 3' end. VCF-style (leftmost placement, unchanged base first): chr12-26654132-T-TAA. GRCh37 (hg19) VCF-style: chr12-26807065-T-TAA.
Other names: c.2587-8_2587-7dup (NM_001414174.1); c.2590-8_2590-7dup (NM_001414175.1).
Identifiers: ClinVar variation 3055465 (VCV003055465.2), dbSNP rs754965250, ClinGen allele CA6489546.

ClinVar aggregate classification (germline): Benign (0 of 4 stars; one submission).

Conditions:
ITPR2-related disorder. Also called: ITPR2-related condition.

Submission:

PreventionGenetics, part of Exact Sciences
Classification: Benign for ITPR2-related condition. Last evaluated: 2019-04-08. Review status: no assertion criteria provided. Collection method: clinical testing. Allele origin: germline.
Comment: This variant is classified as benign based on ACMG/AMP sequence variant interpretation guidelines (Richards et al. 2015 PMID: 25741868, with internal and published modifications).